The following is an entry in ClinVar:

NM_032119.4(ADGRV1):c.1086dup (p.Leu363fs)

Gene: ADGRV1 (adhesion G protein-coupled receptor V1; plus strand). Cytogenetic location: 5q14.3.
Variant type: Duplication.
Coding change: c.1086dup on transcript NM_032119.4 (MANE Select); coding-DNA position 1086, one base duplicated (A; older notation c.1086dupA).
Protein change: p.Leu363fs; shifts the reading frame from leucine 363.
Molecular consequence: frameshift variant. On other transcripts: non-coding transcript variant (1).
Genome position (GRCh38, 1-based): chr5:90,627,624, A duplicated. VCF-style (leftmost placement, unchanged base first): chr5-90627623-T-TA. GRCh37 (hg19) VCF-style: chr5-89923440-T-TA.
Other names: short protein forms L363fs.
Identifiers: ClinVar variation 1071098 (VCV001071098.7), dbSNP rs2149377370, ClinGen allele CA2499217984.
Genomic context (GRCh38, chr5:90,627,623, plus strand): 5'-TGAAATTTCAAATAGTTGATGACACCATACCGGAGATTGCTGAATCGTTTCACATTATGT[T>TA]ACTAAAAGATACCTTACAGGGAGATGCTGTGCTAATAAGCCCTTCTGTTGTACAAGTCAC-3'

ClinVar aggregate classification (germline): Pathogenic (1 of 4 stars; one submission).

Submission:

Labcorp Genetics (formerly Invitae), Labcorp
Classification: Pathogenic. Last evaluated: 2024-08-13. Review status: criteria provided, single submitter. Criteria: Invitae Variant Classification Sherloc (09022015). Collection method: clinical testing. Allele origin: germline.
Comment: This sequence change creates a premature translational stop signal (p.Leu363Thrfs*22) in the ADGRV1 gene. It is expected to result in an absent or disrupted protein product. Loss-of-function variants in ADGRV1 are known to be pathogenic (PMID: 19357117, 22135276, 22147658, 26226137, 30718709, 31047384, 32467589). This variant is not present in population databases (gnomAD no frequency). This variant has not been reported in the literature in individuals affected with ADGRV1-related conditions. ClinVar contains an entry for this variant (Variation ID: 1071098). For these reasons, this variant has been classified as Pathogenic.

Literature cited by the submitters: PubMed 19357117; PubMed 22135276; PubMed 22147658; PubMed 26226137; PubMed 30718709; PubMed 31047384; PubMed 32467589.